The following is an entry in ClinVar:

ClinVar aggregate classification (germline): Uncertain significance. Review status: criteria provided, multiple submitters, no conflicts (2 of 4 stars). 2 submissions from 2 submitters: Uncertain significance (2). Last evaluated 2025-10-18.

Conditions:
Inborn genetic diseases. Identifiers: MedGen C0950123, MeSH D030342.
PRDM6-related disorder. Also called: PRDM6-related condition.

Allele frequency attached by ClinVar (database versions not stated): gnomAD exomes below 0.00001; gnomAD 0.00001.
gnomAD v4.1: 3 of 1,547,072 alleles (0.00019%); highest among the groups gnomAD compares: African/African-American, 0.0041%; 1 homozygote.

Submissions (2):

Ambry Genetics
Classification: Uncertain significance for Inborn genetic diseases. Last evaluated: 2025-10-18. Review status: criteria provided, single submitter. Criteria: Ambry Variant Classification Scheme 2023. Collection method: clinical testing. Allele origin: germline.

PreventionGenetics, part of Exact Sciences
Classification: Uncertain significance for PRDM6-related condition. Last evaluated: 2023-06-08. Review status: criteria provided, single submitter. Criteria: ACMG Guidelines, 2015. Collection method: clinical testing. Allele origin: germline.
Comment: The PRDM6 c.76C>T variant is predicted to result in the amino acid substitution p.Leu26Phe. To our knowledge, this variant has not been reported in the literature or in a large population database, indicating this variant is rare. At this time, the clinical significance of this variant is uncertain due to the absence of conclusive functional and genetic evidence.

NM_001136239.4(PRDM6):c.76C>T (p.Leu26Phe)

Genes: PRDM6 (PR/SET domain 6; plus strand), PRDM6-AS1 (PRDM6 antisense RNA 1; minus strand). Cytogenetic location: 5q23.2.
Variant type: single nucleotide variant.
Coding change: c.76C>T on transcript NM_001136239.4 (MANE Select); coding-DNA position 76, C replaced by T.
Protein change: p.Leu26Phe; replaces leucine 26 with phenylalanine.
Molecular consequence: missense variant. On other transcripts: non-coding transcript variant (1).
Genome position (GRCh38, 1-based): chr5:123,090,090, C>T. VCF-style: chr5-123090090-C-T. GRCh37 (hg19) VCF-style: chr5-122425785-C-T.
Other names: short protein forms L26F.
Identifiers: ClinVar variation 2637330 (VCV002637330.2), dbSNP rs1763777007, ClinGen allele CA360919827.